The following is an entry in ClinVar:

ClinVar aggregate classification (germline): Uncertain significance (1 of 4 stars; one submission).

Conditions:
Perlman syndrome (PRLMNS). Identifiers: Orphanet 2849, MedGen C0796113, MONDO:0009965, OMIM 267000.

Allele frequency attached by ClinVar (database versions not stated): gnomAD exomes below 0.00001.

Submission:

Labcorp Genetics (formerly Invitae), Labcorp
Classification: Uncertain significance for Perlman syndrome. Last evaluated: 2023-04-22. Review status: criteria provided, single submitter. Criteria: Invitae Variant Classification Sherloc (09022015). Collection method: clinical testing. Allele origin: germline.
Comment: ClinVar contains an entry for this variant (Variation ID: 1405379). In summary, the available evidence is currently insufficient to determine the role of this variant in disease. Therefore, it has been classified as a Variant of Uncertain Significance. Algorithms developed to predict the effect of missense changes on protein structure and function output the following: SIFT: "Not Available"; PolyPhen-2: "Benign"; Align-GVGD: "Not Available". The phenylalanine amino acid residue is found in multiple mammalian species, which suggests that this missense change does not adversely affect protein function. This variant has not been reported in the literature in individuals affected with DIS3L2-related conditions. This variant is not present in population databases (gnomAD no frequency). This sequence change replaces leucine, which is neutral and non-polar, with phenylalanine, which is neutral and non-polar, at codon 145 of the DIS3L2 protein (p.Leu145Phe).

NM_152383.5(DIS3L2):c.433C>T (p.Leu145Phe)

Gene: DIS3L2 (DIS3 like 3'-5' exoribonuclease 2; plus strand). Cytogenetic location: 2q37.1.
Variant type: single nucleotide variant.
Coding change: c.433C>T on transcript NM_152383.5 (MANE Select); coding-DNA position 433, C replaced by T.
Protein change: p.Leu145Phe; replaces leucine 145 with phenylalanine.
Molecular consequence: missense variant. On other transcripts: non-coding transcript variant (2).
Genome position (GRCh38, 1-based): chr2:232,087,553, C>T. VCF-style: chr2-232087553-C-T. GRCh37 (hg19) VCF-style: chr2-232952263-C-T.
Other names: c.433C>T, p.Leu145Phe (NM_001257281.2, NM_001257282.2); short protein forms L145F.
Identifiers: ClinVar variation 1405379 (VCV001405379.8), dbSNP rs970837602, ClinGen allele CA67506785.